The following is an entry in ClinVar:

ClinVar aggregate classification (germline): Pathogenic/Likely pathogenic. Review status: criteria provided, multiple submitters, no conflicts (2 of 4 stars). 3 submissions from 3 submitters: Pathogenic (1); Likely pathogenic (2). Last evaluated 2025-10-06.

Conditions:
Microangiopathy and leukoencephalopathy, pontine, autosomal dominant. Also called: Pontine autosomal dominant microangiopathy with leukoencephalopathy; DEMENTIA, HEREDITARY MULTI-INFARCT, SWEDISH TYPE. Identifiers: Orphanet 477749, MedGen C5231411, MONDO:0032814, OMIM 618564.

Allele frequency attached by ClinVar (database versions not stated): TOPMed below 0.00001.
gnomAD v4.1: 1 of 1,614,090 alleles (0.000062%); no homozygotes.

Submissions (3):

Labcorp Genetics (formerly Invitae), Labcorp
Classification: Pathogenic. Last evaluated: 2025-10-06. Review status: criteria provided, single submitter. Criteria: Invitae Variant Classification Sherloc (09022015). Collection method: clinical testing. Allele origin: germline.
Comment: This sequence change creates a premature translational stop signal (p.Arg968*) in the COL4A1 gene. It is expected to result in an absent or disrupted protein product. Loss-of-function variants in COL4A1 are known to be pathogenic (PMID: 23225343). This variant is not present in population databases (gnomAD no frequency). This premature translational stop signal has been observed in individual(s) with clinical features of COL4A1-related conditions (PMID: 34120799). ClinVar contains an entry for this variant (Variation ID: 1333331). For these reasons, this variant has been classified as Pathogenic.

GeneDx
Classification: Likely pathogenic. Last evaluated: 2024-11-25. Review status: criteria provided, single submitter. Criteria: GeneDx Variant Classification Process June 2021. Collection method: clinical testing. Allele origin: germline. Affected: yes.
Comment: Identified in a patient with epileptic encephalopathy, intellectual disability, and abnormal brain MRI (PMID: 34120799); Not observed at significant frequency in large population cohorts (gnomAD); Nonsense variant predicted to result in protein truncation or nonsense mediated decay in a gene for which loss of function is a known mechanism of disease; This variant is associated with the following publications: (PMID: 34120799)

3billion
Classification: Likely pathogenic for Microangiopathy and leukoencephalopathy, pontine, autosomal dominant. Last evaluated: 2022-01-03. Review status: criteria provided, single submitter. Criteria: ACMG Guidelines, 2015. Collection method: clinical testing. Allele origin: germline. Affected: yes. Observed: 1 heterozygote.
Comment: Stop-gained (nonsense): predicted to result in a loss or disruption of normal protein function through nonsense-mediated decay (NMD) or protein truncation. Multiple pathogenic variants are reported downstream of the variant (PVS1_VS). It is not observed in the gnomAD v2.1.1 dataset (PM2_M). Therefore, this variant is classified as likely pathogenic according to the recommendation of ACMG/AMP guideline.

Literature cited by the submitters: PubMed 23225343 (cited by Labcorp Genetics (formerly Invitae), Labcorp); PubMed 34120799 (cited by Labcorp Genetics (formerly Invitae), Labcorp).

NM_001845.6(COL4A1):c.2902C>T (p.Arg968Ter)

Gene: COL4A1 (collagen type IV alpha 1 chain; minus strand). Cytogenetic location: 13q34.
Variant type: single nucleotide variant.
Coding change: c.2902C>T on transcript NM_001845.6 (MANE Select); coding-DNA position 2902, C replaced by T.
Protein change: p.Arg968Ter; replaces arginine 968 with a stop codon.
Molecular consequence: nonsense.
Genome position (GRCh38, 1-based): chr13:110,176,692, G>A on the plus strand (C>T on the coding strand, the complement: COL4A1 is on the minus strand). VCF-style: chr13-110176692-G-A. GRCh37 (hg19) VCF-style: chr13-110829039-G-A.
Other names: c.2902C>T (NM_001845.4); short protein forms R968*.
Identifiers: ClinVar variation 1333331 (VCV001333331.5), dbSNP rs1877904298, ClinGen allele CA388666370.